The following is an entry in ClinVar:

NM_022455.5(NSD1):c.1739_1740del (p.Lys580fs)

Gene: NSD1 (nuclear receptor binding SET domain protein 1; plus strand). Cytogenetic location: 5q35.3.
Variant type: Deletion.
Coding change: c.1739_1740del on transcript NM_022455.5 (MANE Select); coding-DNA positions 1739 to 1740, 2 bases deleted (AA; older notation c.1739_1740delAA).
Protein change: p.Lys580fs; shifts the reading frame from lysine 580.
Molecular consequence: frameshift variant.
Genome position (GRCh38, 1-based): chr5:177,210,138-177,210,139, AA deleted; deleting any 2 consecutive bases within chr5:177,210,137-177,210,139 gives the same sequence; the c. name uses the placement nearest the transcript's 3' end. VCF-style (leftmost placement, unchanged base first): chr5-177210136-GAA-G. GRCh37 (hg19) VCF-style: chr5-176637137-GAA-G.
Other names: c.866_867delAA, p.Lys289Argfs (NM_001365684.2, NM_001409306.1, NM_001409307.1 and 3 more transcripts); c.1739_1740delAA, p.Lys580Argfs (NM_001409301.1, NM_001409302.1, NM_001409303.1); c.1319_1320delAA, p.Lys440Argfs (NM_001409304.1); c.986_987delAA, p.Lys329Argfs (NM_001409305.1); short protein forms K311fs, K580fs.
Identifiers: ClinVar variation 423091 (VCV000423091.2), dbSNP rs1064796222, ClinGen allele CA16618166.

ClinVar aggregate classification (germline): Pathogenic (1 of 4 stars; one submission).

Submission:

GeneDx
Classification: Pathogenic. Last evaluated: 2017-01-16. Review status: criteria provided, single submitter. Criteria: GeneDx Variant Classification (06012015). Collection method: clinical testing. Allele origin: germline. Affected: yes.
Comment: The c.1739_1740delAA pathogenic variant in the NSD1 gene causes a frameshift starting with codon Lysine 580, changes this amino acid to an Arginine residue and creates a premature Stop codon at position 3 of the new reading frame, denoted p.Lys580ArgfsX3. This pathogenic variant is predicted to cause loss of normal protein function either through protein truncation or nonsense-mediated mRNA decay. The c.1739_1740delAA variant is not observed in large population cohorts (Lek et al., 2016; 1000 Genomes Consortium et al., 2015; Exome Variant Server).